The following is an entry in ClinVar:

ClinVar aggregate classification (germline): Likely pathogenic (1 of 4 stars; one submission).

Conditions:
Mitochondrial trifunctional protein deficiency. Identifiers: Orphanet 746, MedGen C1969443, MONDO:0012172.

Allele frequency attached by ClinVar (database versions not stated): gnomAD exomes below 0.00001.
gnomAD v4.1: 1 of 1,502,830 alleles (0.000067%); highest among the groups gnomAD compares: Non-Finnish European, 0.000093%; no homozygotes.

Submission:

Labcorp Genetics (formerly Invitae), Labcorp
Classification: Likely pathogenic for Mitochondrial trifunctional protein deficiency. Last evaluated: 2023-07-16. Review status: criteria provided, single submitter. Criteria: Invitae Variant Classification Sherloc (09022015). Collection method: clinical testing. Allele origin: germline.
Comment: This sequence change affects a donor splice site in intron 6 of the HADHB gene. It is expected to disrupt RNA splicing. Variants that disrupt the donor or acceptor splice site typically lead to a loss of protein function (PMID: 16199547), and loss-of-function variants in HADHB are known to be pathogenic (PMID: 9259266, 12754706). This variant is not present in population databases (gnomAD no frequency). In summary, the currently available evidence indicates that the variant is pathogenic, but additional data are needed to prove that conclusively. Therefore, this variant has been classified as Likely Pathogenic. Algorithms developed to predict the effect of sequence changes on RNA splicing suggest that this variant may disrupt the consensus splice site. This variant has not been reported in the literature in individuals affected with HADHB-related conditions.

Literature cited by the submitters: PubMed 16199547; PubMed 9259266; PubMed 12754706.

NM_000183.3(HADHB):c.354+1G>T

Gene: HADHB (hydroxyacyl-CoA dehydrogenase trifunctional multienzyme complex subunit beta; plus strand). Cytogenetic location: 2p23.3.
Variant type: single nucleotide variant.
Coding change: c.354+1G>T on transcript NM_000183.3 (MANE Select); the canonical splice donor site of the intron after coding-DNA position 354, G replaced by T.
Molecular consequence: splice donor variant.
Genome position (GRCh38, 1-based): chr2:26,273,751, G>T. VCF-style: chr2-26273751-G-T. GRCh37 (hg19) VCF-style: chr2-26496619-G-T.
Other names: c.288+1G>T (NM_001281513.2); c.309+1G>T (NM_001281512.2).
Identifiers: ClinVar variation 2743638 (VCV002743638.3), dbSNP rs2465707018, ClinGen allele CA346091920.